The following is an entry in ClinVar:

NM_005235.3(ERBB4):c.2428G>C (p.Glu810Gln)

Gene: ERBB4 (erb-b2 receptor tyrosine kinase 4; minus strand). Cytogenetic location: 2q34.
Variant type: single nucleotide variant.
Coding change: c.2428G>C on transcript NM_005235.3 (MANE Select); coding-DNA position 2428, G replaced by C.
Protein change: p.Glu810Gln; replaces glutamic acid 810 with glutamine.
Molecular consequence: missense variant.
Genome position (GRCh38, 1-based): chr2:211,561,962, C>G on the plus strand (G>C on the coding strand, the complement: ERBB4 is on the minus strand). VCF-style: chr2-211561962-C-G. GRCh37 (hg19) VCF-style: chr2-212426687-C-G.
Other names: c.2428G>C, p.Glu810Gln (NM_001042599.2); c.2398G>C, p.Glu800Gln (NM_001439005.1, NM_001439006.1); short protein forms E800Q, E810Q.
Identifiers: ClinVar variation 4802773 (VCV004802773.1).
Genomic context (GRCh38, chr2:211,561,962, plus strand): 5'-CCTTAGCTATCTGGACACACCAGTTAAGCAGCAGTTGTGATCCAATGTTATCCTTGTGCT[C>G]GTGGACATACTCCAACAGGCAGCCATGGGGCATAAGTTGAGTAACCAGCTGGATGGTTGG-3'
Protein context (NP_005226.1, residues 800-820): PHGCLLEYVH[Glu810Gln]HKDNIGSQLL

ClinVar aggregate classification (germline): Uncertain significance (1 of 4 stars; one submission).

Submission:

Labcorp Genetics (formerly Invitae), Labcorp
Classification: Uncertain significance. Last evaluated: 2025-08-11. Review status: criteria provided, single submitter. Criteria: Invitae Variant Classification Sherloc (09022015). Collection method: clinical testing. Allele origin: germline.
Comment: This sequence change replaces glutamic acid, which is acidic and polar, with glutamine, which is neutral and polar, at codon 810 of the ERBB4 protein (p.Glu810Gln). This variant is not present in population databases (gnomAD no frequency). This variant has not been reported in the literature in individuals affected with ERBB4-related conditions. Invitae Evidence Modeling of protein sequence and biophysical properties (such as structural, functional, and spatial information, amino acid conservation, physicochemical variation, residue mobility, and thermodynamic stability) indicates that this missense variant is not expected to disrupt ERBB4 protein function with a negative predictive value of 80%. In summary, the available evidence is currently insufficient to determine the role of this variant in disease. Therefore, it has been classified as a Variant of Uncertain Significance.